The following is an entry in ClinVar:

NM_000824.5(GLRB):c.551C>T (p.Pro184Leu)

Gene: GLRB (glycine receptor beta; plus strand). Cytogenetic location: 4q32.1.
Variant type: single nucleotide variant.
Coding change: c.551C>T on transcript NM_000824.5 (MANE Select); coding-DNA position 551, C replaced by T.
Protein change: p.Pro184Leu; replaces proline 184 with leucine.
Molecular consequence: missense variant.
Genome position (GRCh38, 1-based): chr4:157,136,827, C>T. VCF-style: chr4-157136827-C-T. GRCh37 (hg19) VCF-style: chr4-158057979-C-T.
Other names: c.551C>T, p.Pro184Leu (NM_001166060.2, NM_001166061.2); short protein forms P184L.
Identifiers: ClinVar variation 2063380 (VCV002063380.4), dbSNP rs1219757029, ClinGen allele CA358642849.

ClinVar aggregate classification (germline): Uncertain significance (1 of 4 stars; one submission).

Conditions:
Hyperekplexia 2 (HKPX2). Identifiers: Orphanet 3197, MedGen C3553291, MONDO:0013828, OMIM 614619.

Submission:

Labcorp Genetics (formerly Invitae), Labcorp
Classification: Uncertain significance for Hyperekplexia 2. Last evaluated: 2022-08-16. Review status: criteria provided, single submitter. Criteria: Invitae Variant Classification Sherloc (09022015). Collection method: clinical testing. Allele origin: germline.
Comment: In summary, the available evidence is currently insufficient to determine the role of this variant in disease. Therefore, it has been classified as a Variant of Uncertain Significance. This sequence change replaces proline, which is neutral and non-polar, with leucine, which is neutral and non-polar, at codon 184 of the GLRB protein (p.Pro184Leu). This variant is not present in population databases (gnomAD no frequency). This variant has not been reported in the literature in individuals affected with GLRB-related conditions. Advanced modeling of protein sequence and biophysical properties (such as structural, functional, and spatial information, amino acid conservation, physicochemical variation, residue mobility, and thermodynamic stability) performed at Invitae indicates that this missense variant is expected to disrupt GLRB protein function.